The following is an entry in ClinVar:

NM_001330078.2(NRXN1):c.3193C>G (p.Leu1065Val)

Gene: NRXN1 (neurexin 1; minus strand). Cytogenetic location: 2p16.3.
Variant type: single nucleotide variant.
Coding change: c.3193C>G on transcript NM_001330078.2 (MANE Select); coding-DNA position 3193, C replaced by G.
Protein change: p.Leu1065Val; replaces leucine 1065 with valine.
Molecular consequence: missense variant.
Genome position (GRCh38, 1-based): chr2:50,472,349, G>C on the plus strand (C>G on the coding strand, the complement: NRXN1 is on the minus strand). VCF-style: chr2-50472349-G-C. GRCh37 (hg19) VCF-style: chr2-50699487-G-C.
Other names: c.3313C>G, p.Leu1105Val (NM_001135659.3); c.3169C>G, p.Leu1057Val (NM_001330077.2, NM_001330082.2); c.3127C>G, p.Leu1043Val (NM_001330083.2, NM_001330084.2); c.3166C>G, p.Leu1056Val (NM_001330085.2); c.3193C>G, p.Leu1065Val (NM_001330086.2, NM_004801.6); c.3082C>G, p.Leu1028Val (NM_001330087.2, NM_001330096.2); c.3112C>G, p.Leu1038Val (NM_001330088.2); c.3190C>G, p.Leu1064Val (NM_001330093.2); and 2 more; short protein forms L1065V, L1048V, L1061V, L1038V, L1043V, L1028V, L1056V, L1057V.
Identifiers: ClinVar variation 1371639 (VCV001371639.8), dbSNP rs373952532, ClinGen allele CA346772122.

ClinVar aggregate classification (germline): Uncertain significance (1 of 4 stars; one submission).

Conditions:
Pitt-Hopkins-like syndrome 2 (PTHSL2). Identifiers: Orphanet 221150, Orphanet 600663, MedGen C3280479, MONDO:0013690, OMIM 614325.

gnomAD v4.1: 1 of 1,611,698 alleles (0.000062%); highest among the groups gnomAD compares: Non-Finnish European, 0.000085%; no homozygotes.

Submission:

Labcorp Genetics (formerly Invitae), Labcorp
Classification: Uncertain significance for Pitt-Hopkins-like syndrome 2. Last evaluated: 2020-11-04. Review status: criteria provided, single submitter. Criteria: Invitae Variant Classification Sherloc (09022015). Collection method: clinical testing. Allele origin: germline.
Comment: In summary, the available evidence is currently insufficient to determine the role of this variant in disease. Therefore, it has been classified as a Variant of Uncertain Significance. Algorithms developed to predict the effect of missense changes on protein structure and function (SIFT, PolyPhen-2, Align-GVGD) all suggest that this variant is likely to be disruptive, but these predictions have not been confirmed by published functional studies and their clinical significance is uncertain. This variant has not been reported in the literature in individuals with NRXN1-related conditions. This variant is not present in population databases (ExAC no frequency). This sequence change replaces leucine with valine at codon 1105 of the NRXN1 protein (p.Leu1105Val). The leucine residue is highly conserved and there is a small physicochemical difference between leucine and valine.